The following is an entry in ClinVar:

NM_000093.5(COL5A1):c.4427C>A (p.Ser1476Tyr)

Gene: COL5A1 (collagen type V alpha 1 chain; plus strand). Cytogenetic location: 9q34.3.
Variant type: single nucleotide variant.
Coding change: c.4427C>A on transcript NM_000093.5 (MANE Select); coding-DNA position 4427, C replaced by A.
Protein change: p.Ser1476Tyr; replaces serine 1476 with tyrosine.
Molecular consequence: missense variant.
Genome position (GRCh38, 1-based): chr9:134,819,034, C>A. VCF-style: chr9-134819034-C-A. GRCh37 (hg19) VCF-style: chr9-137710880-C-A.
Other names: c.4427C>A, p.Ser1476Tyr (NM_001278074.1); short protein forms S1476Y.
Identifiers: ClinVar variation 1740516 (VCV001740516.2), dbSNP rs2490851885, ClinGen allele CA375457541.
Genomic context (GRCh38, chr9:134,819,034, plus strand): 5'-TCTGATCCCCCTGCCTCCTCCCACAGGGTCCCCCAGGACTTCCCGGCCTCAAAGGAGATT[C>A]TGGTCCCAAAGGTGAAAAGGTAAGAGGGGCCTCCCTGCCCCAGCAACTGTGACTCGGGGC-3'
Protein context (NP_000084.3, residues 1466-1486): PPGLPGLKGD[Ser1476Tyr]GPKGEKGHPG

ClinVar aggregate classification (germline): Uncertain significance (1 of 4 stars; one submission).

Conditions:
Familial thoracic aortic aneurysm and aortic dissection (TAAD). Also called: Thoracic aortic aneurysms and dissections. Identifiers: Orphanet 91387, MedGen C4707243, MONDO:0019625.

Submission:

Ambry Genetics
Classification: Uncertain significance for Familial thoracic aortic aneurysm and aortic dissection. Last evaluated: 2020-08-04. Review status: criteria provided, single submitter. Criteria: Ambry Variant Classification Scheme 2023. Collection method: clinical testing. Allele origin: germline.
Comment: The p.S1476Y variant (also known as c.4427C>A), located in coding exon 57 of the COL5A1 gene, results from a C to A substitution at nucleotide position 4427. The serine at codon 1476 is replaced by tyrosine, an amino acid with dissimilar properties. This amino acid position is well conserved in available vertebrate species. In addition, the in silico prediction for this alteration is inconclusive. Since supporting evidence is limited at this time, the clinical significance of this alteration remains unclear.